The following is an entry in ClinVar:

NM_003105.6(SORL1):c.6383C>T (p.Thr2128Met)

Gene: SORL1 (sortilin related receptor 1; plus strand). Cytogenetic location: 11q24.1.
Variant type: single nucleotide variant.
Coding change: c.6383C>T on transcript NM_003105.6 (MANE Select); coding-DNA position 6383, C replaced by T.
Protein change: p.Thr2128Met; replaces threonine 2128 with methionine.
Molecular consequence: missense variant.
Genome position (GRCh38, 1-based): chr11:121,627,573, C>T. VCF-style: chr11-121627573-C-T. GRCh37 (hg19) VCF-style: chr11-121498282-C-T.
Other names: short protein forms T2128M.
Identifiers: ClinVar variation 2591020 (VCV002591020.5), dbSNP rs376265187, ClinGen allele CA6330251.

ClinVar aggregate classification (germline): Conflicting classifications of pathogenicity. Review status: criteria provided, conflicting classifications (1 of 4 stars). 2 submissions from 2 submitters: Uncertain significance (1); Likely benign (1). Last evaluated 2023-08-14.

Allele frequency attached by ClinVar (database versions not stated): gnomAD exomes 0.00002; gnomAD 0.00003; TOPMed 0.00003; ExAC 0.00004; ESP Exome Variant Server 0.00008.
gnomAD v4.1: 42 of 1,613,994 alleles (0.0026%); highest among the groups gnomAD compares: Middle Eastern, 0.016%; no homozygotes.

Submissions (2):

Ambry Genetics
Classification: Likely benign. Last evaluated: 2023-08-14. Review status: criteria provided, single submitter. Criteria: Ambry Variant Classification Scheme 2023. Collection method: clinical testing. Allele origin: germline.

Labcorp Genetics (formerly Invitae), Labcorp
Classification: Uncertain significance. Last evaluated: 2023-07-17. Review status: criteria provided, single submitter. Criteria: Invitae Variant Classification Sherloc (09022015). Collection method: clinical testing. Allele origin: germline.
Comment: In summary, the available evidence is currently insufficient to determine the role of this variant in disease. Therefore, it has been classified as a Variant of Uncertain Significance. Algorithms developed to predict the effect of missense changes on protein structure and function output the following: SIFT: "Not Available"; PolyPhen-2: "Benign"; Align-GVGD: "Not Available". The methionine amino acid residue is found in multiple mammalian species, which suggests that this missense change does not adversely affect protein function. This variant has not been reported in the literature in individuals affected with SORL1-related conditions. This variant is present in population databases (rs376265187, gnomAD 0.005%). This sequence change replaces threonine, which is neutral and polar, with methionine, which is neutral and non-polar, at codon 2128 of the SORL1 protein (p.Thr2128Met).